The following is an entry in ClinVar:

ClinVar aggregate classification (germline): Uncertain significance (1 of 4 stars; one submission).

Conditions:
Cardiovascular phenotype. Identifiers: MedGen CN230736.

gnomAD v4.1: 11 of 1,613,946 alleles (0.00068%); highest among the groups gnomAD compares: Non-Finnish European, 0.00025%; no homozygotes.

Submission:

Ambry Genetics
Classification: Uncertain significance for Cardiovascular phenotype. Last evaluated: 2024-06-21. Review status: criteria provided, single submitter. Criteria: Ambry Variant Classification Scheme 2023. Collection method: clinical testing. Allele origin: germline.
Comment: The p.C1262Y variant (also known as c.3785G>A), located in coding exon 31 of the ANK2 gene, results from a G to A substitution at nucleotide position 3785. The cysteine at codon 1262 is replaced by tyrosine, an amino acid with highly dissimilar properties. This amino acid position is conserved. In addition, this alteration is predicted to be deleterious by in silico analysis. Based on the available evidence, the clinical significance of this variant remains unclear.

NM_001148.6(ANK2):c.3785G>A (p.Cys1262Tyr)

Gene: ANK2 (ankyrin 2; plus strand). Cytogenetic location: 4q26.
Variant type: single nucleotide variant.
Coding change: c.3785G>A on transcript NM_001148.6 (MANE Select); coding-DNA position 3785, G replaced by A.
Protein change: p.Cys1262Tyr; replaces cysteine 1262 with tyrosine.
Molecular consequence: missense variant.
Genome position (GRCh38, 1-based): chr4:113,336,770, G>A. VCF-style: chr4-113336770-G-A. GRCh37 (hg19) VCF-style: chr4-114257926-G-A.
Other names: c.3758G>A, p.Cys1253Tyr (NM_001127493.3); c.3797G>A, p.Cys1266Tyr (NM_001354225.2); c.3686G>A, p.Cys1229Tyr (NM_001354228.2, NM_001354258.2); c.3764G>A, p.Cys1255Tyr (NM_001354230.2); c.3827G>A, p.Cys1276Tyr (NM_001354231.2, NM_001354242.2); c.3821G>A, p.Cys1274Tyr (NM_001354232.2); c.3782G>A, p.Cys1261Tyr (NM_001354235.2, NM_001354246.2, NM_001354265.2); c.3683G>A, p.Cys1228Tyr (NM_001354236.2); and 31 more; short protein forms C1196Y, C1200Y, C1207Y, C1219Y, C1241Y, C1252Y, C1261Y, C1262Y.
Identifiers: ClinVar variation 3295082 (VCV003295082.1).